The following is an entry in ClinVar:

NM_000038.6(APC):c.4508del (p.Ser1503fs)

Gene: APC (APC regulator of Wnt signaling pathway; plus strand). Cytogenetic location: 5q22.2.
Variant type: Deletion.
Coding change: c.4508del on transcript NM_000038.6 (MANE Select); coding-DNA position 4508, one base deleted (C; older notation c.4508delC).
Protein change: p.Ser1503fs; shifts the reading frame from serine 1503.
Molecular consequence: frameshift variant.
Genome position (GRCh38, 1-based): chr5:112,840,102, C deleted. VCF-style (leftmost placement, unchanged base first): chr5-112840101-TC-T. GRCh37 (hg19) VCF-style: chr5-112175798-TC-T.
Other names: c.4508del, p.Ser1503fs (NM_001127510.3, NM_001354895.2); c.4454del, p.Ser1485fs (NM_001127511.3); c.4562del, p.Ser1521fs (NM_001354896.2); c.4538del, p.Ser1513fs (NM_001354897.2); c.4433del, p.Ser1478fs (NM_001354898.2); c.4424del, p.Ser1475fs (NM_001354899.2); c.4385del, p.Ser1462fs (NM_001354900.2); c.4331del, p.Ser1444fs (NM_001354901.2); and 5 more; short protein forms S1220fs, S1462fs, S1475fs, S1503fs, S1402fs, S1412fs, S1444fs, S1343fs.
Identifiers: ClinVar variation 824955 (VCV000824955.5), dbSNP rs1580649018, ClinGen allele CA915943492.

ClinVar aggregate classification (germline): Pathogenic/Likely pathogenic. Review status: criteria provided, multiple submitters, no conflicts (2 of 4 stars). 2 submissions from 2 submitters: Pathogenic (1); Likely pathogenic (1). Last evaluated 2020-09-03.

Conditions:
Hereditary cancer-predisposing syndrome. Also called: Neoplastic Syndromes, Hereditary; Tumor predisposition; Hereditary neoplastic syndrome; Hereditary Cancer Syndrome. Identifiers: Orphanet 140162, MedGen C0027672, MeSH D009386, MONDO:0015356.
Familial multiple polyposis syndrome (FAP). Also called: Familial adenomatous polyposis; Familial intestinal polyposis; Familial polyposis; Classic familial adenomatous polyposis; Familial Adenomatous Polyposis (FAP). Identifiers: Orphanet 733, MedGen C0032580, MONDO:0021055. Disease mechanism: loss of function.

Submissions (2):

Women's Health and Genetics/Laboratory Corporation of America, LabCorp
Classification: Likely pathogenic for Familial adenomatous polyposis. Last evaluated: 2020-09-03. Review status: criteria provided, single submitter. Criteria: LabCorp Variant Classification Summary - May 2015. Collection method: clinical testing. Allele origin: germline.
Comment: Variant summary: APC c.4508delC (p.Ser1503TyrfsX4) results in a premature termination codon, predicted to cause a truncation of the encoded protein. The variant was absent in 250312 control chromosomes (gnomAD). To our knowledge, no occurrence of c.4508delC in individuals affected with Familial Adenomatous Polyposis and no experimental evidence demonstrating its impact on protein function have been reported. One ClinVar submitter (evaluation after 2014) cite the variant as pathogenic. Based on the evidence outlined above, the variant was classified as likely pathogenic.

Ambry Genetics
Classification: Pathogenic for Hereditary cancer-predisposing syndrome. Last evaluated: 2019-08-07. Review status: criteria provided, single submitter. Criteria: Ambry Variant Classification Scheme 2023. Collection method: clinical testing. Allele origin: germline.
Comment: The c.4508delC pathogenic mutation, located in coding exon 15 of the APC gene, results from a deletion of one nucleotide at nucleotide position 4508, causing a translational frameshift with a predicted alternate stop codon (p.S1503Yfs*4). This alteration is expected to result in loss of function by premature protein truncation. As such, this alteration is interpreted as a disease-causing mutation.